The following is an entry in ClinVar:

ClinVar aggregate classification (germline): Uncertain significance (1 of 4 stars; one submission).

Conditions:
POLD1-related polyposis and colorectal cancer syndrome (CRCS10). Also called: Colorectal cancer 10; COLORECTAL CANCER, SUSCEPTIBILITY TO, ON CHROMOSOME 19q; Colorectal cancer, susceptibility to, 10. Identifiers: Orphanet 220460, MedGen C2675481, MONDO:0012953, OMIM 612591.

Submission:

Labcorp Genetics (formerly Invitae), Labcorp
Classification: Uncertain significance for POLD1-related polyposis and colorectal cancer syndrome. Last evaluated: 2024-11-13. Review status: criteria provided, single submitter. Criteria: Invitae Variant Classification Sherloc (09022015). Collection method: clinical testing. Allele origin: germline.
Comment: This sequence change replaces threonine, which is neutral and polar, with alanine, which is neutral and non-polar, at codon 954 of the POLD1 protein (p.Thr954Ala). This variant is not present in population databases (gnomAD no frequency). This variant has not been reported in the literature in individuals affected with POLD1-related conditions. ClinVar contains an entry for this variant (Variation ID: 1915374). Invitae Evidence Modeling of protein sequence and biophysical properties (such as structural, functional, and spatial information, amino acid conservation, physicochemical variation, residue mobility, and thermodynamic stability) indicates that this missense variant is not expected to disrupt POLD1 protein function with a negative predictive value of 80%. In summary, the available evidence is currently insufficient to determine the role of this variant in disease. Therefore, it has been classified as a Variant of Uncertain Significance.

NM_002691.4(POLD1):c.2860A>G (p.Thr954Ala)

Gene: POLD1 (DNA polymerase delta 1, catalytic subunit; plus strand). Cytogenetic location: 19q13.33.
Variant type: single nucleotide variant.
Coding change: c.2860A>G on transcript NM_002691.4 (MANE Select); coding-DNA position 2860, A replaced by G.
Protein change: p.Thr954Ala; replaces threonine 954 with alanine.
Molecular consequence: missense variant. On other transcripts: non-coding transcript variant (1).
Genome position (GRCh38, 1-based): chr19:50,416,435, A>G. VCF-style: chr19-50416435-A-G. GRCh37 (hg19) VCF-style: chr19-50919692-A-G.
Other names: c.2860A>G, p.Thr954Ala (NM_001256849.1); c.2938A>G, p.Thr980Ala (NM_001308632.1); short protein forms T954A, T980A.
Identifiers: ClinVar variation 1915374 (VCV001915374.5), dbSNP rs2514065584, ClinGen allele CA406986344.
Genomic context (GRCh38, chr19:50,416,435, plus strand): 5'-GTGACTGCCATGTGGCCGCAGGACCCGCTGTTCGTGCTGGAGCACAGCCTGCCCATTGAC[A>G]CGCAGTACTACCTGGAGCAGCAGCTGGCCAAGCCCCTCCTGCGCATCTTCGAGCCCATCC-3'
Protein context (NP_002682.2, residues 944-964): FVLEHSLPID[Thr954Ala]QYYLEQQLAK